The following is an entry in ClinVar:

NM_000222.3(KIT):c.2585T>G (p.Leu862Arg)

Gene: KIT (KIT proto-oncogene, receptor tyrosine kinase; plus strand). Cytogenetic location: 4q12.
Variant type: single nucleotide variant.
Coding change: c.2585T>G on transcript NM_000222.3 (MANE Select); coding-DNA position 2585, T replaced by G.
Protein change: p.Leu862Arg; replaces leucine 862 with arginine.
Molecular consequence: missense variant.
Genome position (GRCh38, 1-based): chr4:54,736,598, T>G. VCF-style: chr4-54736598-T-G. GRCh37 (hg19) VCF-style: chr4-55602764-T-G.
Other names: c.2573T>G, p.Leu858Arg (NM_001093772.2, NM_001385292.1); c.2588T>G, p.Leu863Arg (NM_001385284.1); c.2582T>G, p.Leu861Arg (NM_001385285.1); c.2570T>G, p.Leu857Arg (NM_001385286.1); c.2576T>G, p.Leu859Arg (NM_001385288.1); c.2585T>G, p.Leu862Arg (NM_001385290.1); short protein forms L858R, L862R, L857R, L859R, L861R, L863R.
Identifiers: ClinVar variation 847568 (VCV000847568.17), dbSNP rs1722934709, ClinGen allele CA356913401.

ClinVar aggregate classification (germline): Uncertain significance (1 of 4 stars; one submission).

Conditions:
Gastrointestinal stromal tumor. Also called: Gastrointestinal stromal tumor, somatic; Gastrointestinal stroma tumor. Identifiers: Orphanet 44890, MedGen C0238198, MeSH D046152, MONDO:0011719, OMIM 606764, HP:0100723.

Submission:

Labcorp Genetics (formerly Invitae), Labcorp
Classification: Uncertain significance for Gastrointestinal stromal tumor. Last evaluated: 2019-12-21. Review status: criteria provided, single submitter. Criteria: Invitae Variant Classification Sherloc (09022015). Collection method: clinical testing. Allele origin: germline.
Comment: This variant has not been reported in the literature in individuals with KIT-related conditions. This sequence change replaces leucine with arginine at codon 862 of the KIT protein (p.Leu862Arg). The leucine residue is highly conserved and there is a moderate physicochemical difference between leucine and arginine. This variant is not present in population databases (ExAC no frequency). Algorithms developed to predict the effect of missense changes on protein structure and function (SIFT, PolyPhen-2, Align-GVGD) all suggest that this variant is likely to be disruptive, but these predictions have not been confirmed by published functional studies and their clinical significance is uncertain. In summary, the available evidence is currently insufficient to determine the role of this variant in disease. Therefore, it has been classified as a Variant of Uncertain Significance.